The following is an entry in ClinVar:

ClinVar aggregate classification (germline): Likely pathogenic (1 of 4 stars; one submission).

Conditions:
Autosomal recessive nonsyndromic hearing loss 9. Also called: NEUROSENSORY NONSYNDROMIC RECESSIVE DEAFNESS 9; OTOF-Related Hearing Loss; Deafness, autosomal recessive 9; AUDITORY NEUROPATHY, AUTOSOMAL RECESSIVE, 1, TEMPERATURE-SENSITIVE. Identifiers: Orphanet 90636, MedGen C1832828, MONDO:0010986, OMIM 601071.

Submission:

Institute of Rare Diseases, West China Hospital, Sichuan University
Classification: Likely pathogenic for Autosomal recessive nonsyndromic hearing loss 9. Last evaluated: 2025-01-09. Review status: criteria provided, single submitter. Criteria: ClinGen HL ACMG Specifications v1. Collection method: research. Allele origin: germline. Affected: yes.
Comment: PVS1;PM2_Supporting

NM_194248.3(OTOF):c.3409-2A>T

Gene: OTOF (otoferlin; minus strand). Cytogenetic location: 2p23.3.
Variant type: single nucleotide variant.
Coding change: c.3409-2A>T on transcript NM_194248.3 (MANE Select); the canonical splice acceptor site of the intron before coding-DNA position 3409, A replaced by T.
Molecular consequence: splice acceptor variant.
Genome position (GRCh38, 1-based): chr2:26,473,569, T>A on the plus strand (A>T on the coding strand, the complement: OTOF is on the minus strand). VCF-style: chr2-26473569-T-A. GRCh37 (hg19) VCF-style: chr2-26696437-T-A.
Other names: c.3409-2A>T (NM_001287489.2); c.1168-2A>T (NM_194323.3, NM_004802.4); c.1339-2A>T (NM_194322.3).
Identifiers: ClinVar variation 3601537 (VCV003601537.1).
Genomic context (GRCh38, chr2:26,473,569, plus strand): 5'-GGCCGGTCCACCTGGGCCAGGTTCACCCGCTTTAGGTCCCGTAGGCCCCAGAACAGCACC[T>A]GGGAGAGGTTGGAGGGTGGGTGCAGAGAAGAGAGCCCCTTAGTCAAGGGAGCCAGCCATG-3'